The following is an entry in ClinVar:

ClinVar aggregate classification (germline): Conflicting classifications of pathogenicity. Review status: criteria provided, conflicting classifications (1 of 4 stars). 2 submissions from 2 submitters: Uncertain significance (1); Likely benign (1). Last evaluated 2025-04-19.

Conditions:
EFR3A-related disorder. Also called: EFR3A-related condition.

Allele frequency attached by ClinVar (database versions not stated): ESP Exome Variant Server 0.00008.
gnomAD v4.1: 157 of 1,608,918 alleles (0.0098%); highest among the groups gnomAD compares: Middle Eastern, 0.05%; 1 homozygote.

Submissions (2):

PreventionGenetics, part of Exact Sciences
Classification: Likely benign for EFR3A-related condition. Last evaluated: 2025-04-19. Review status: criteria provided, single submitter. Criteria: ACMG Guidelines, 2015. Collection method: clinical testing. Allele origin: germline.
Comment: This variant is classified as likely benign based on ACMG/AMP sequence variant interpretation guidelines (Richards et al. 2015 PMID: 25741868, with internal and published modifications).

Ambry Genetics
Classification: Uncertain significance. Last evaluated: 2022-02-03. Review status: criteria provided, single submitter. Criteria: Ambry Variant Classification Scheme 2023. Collection method: clinical testing. Allele origin: germline.

NM_015137.6(EFR3A):c.641G>T (p.Arg214Leu)

Gene: EFR3A (EFR3 homolog A; plus strand). Cytogenetic location: 8q24.22.
Variant type: single nucleotide variant.
Coding change: c.641G>T on transcript NM_015137.6 (MANE Select); coding-DNA position 641, G replaced by T.
Protein change: p.Arg214Leu; replaces arginine 214 with leucine.
Molecular consequence: missense variant. On other transcripts: non-coding transcript variant (2).
Genome position (GRCh38, 1-based): chr8:131,955,770, G>T. VCF-style: chr8-131955770-G-T. GRCh37 (hg19) VCF-style: chr8-132968017-G-T.
Other names: c.533G>T, p.Arg178Leu (NM_001323553.2, NM_001323554.2, NM_001323555.2 and 2 more transcripts); c.641G>T, p.Arg214Leu (NM_001323558.2); c.641G>T (NM_015137.5); short protein forms R178L, R214L.
Identifiers: ClinVar variation 3087590 (VCV003087590.2), dbSNP rs146871009, ClinGen allele CA4878832.
Genomic context (GRCh38, chr8:131,955,770, plus strand): 5'-TTTATTAGAACTGATATTAAAATTCTTGTGTTTTTCTTTATTTCTCGTTCCTTTTTAGTC[G>T]CATAGGCCCTCCTTCTTCTCCTTCTGCAACTGACAAAGAAGAGAATCCTGCTGTGCTGGC-3'
Protein context (NP_055952.2, residues 204-224): NMQKIEEVDS[Arg214Leu]IGPPSSPSAT